The following is an entry in ClinVar:

ClinVar aggregate classification (germline): Benign. Review status: criteria provided, single submitter (1 of 4 stars). 2 submissions from 2 submitters: Benign (1). 1 of the submissions does not count toward it. Last evaluated 2026-01-19.

Conditions:
TRIM8-related disorder. Also called: TRIM8-related condition.

Allele frequency attached by ClinVar (database versions not stated): gnomAD 0.00005; TOPMed 0.00013; ExAC 0.00027.
gnomAD v4.1: 92 of 1,597,526 alleles (0.0058%); highest among the groups gnomAD compares: East Asian, 0.2%; no homozygotes.

Submissions (2):

Labcorp Genetics (formerly Invitae), Labcorp
Classification: Benign. Last evaluated: 2026-01-19. Review status: criteria provided, single submitter. Criteria: Invitae Variant Classification Sherloc (09022015). Collection method: clinical testing. Allele origin: germline.

PreventionGenetics, part of Exact Sciences
Classification: Likely benign for TRIM8-related condition. Last evaluated: 2022-12-22. Review status: no assertion criteria provided. Collection method: clinical testing. Allele origin: germline. Not counted in ClinVar's aggregate classification.
Comment: This variant is classified as likely benign based on ACMG/AMP sequence variant interpretation guidelines (Richards et al. 2015 PMID: 25741868, with internal and published modifications).

NM_030912.3(TRIM8):c.333G>A (p.Glu111=)

Gene: TRIM8 (tripartite motif containing 8; plus strand). Cytogenetic location: 10q24.32.
Variant type: single nucleotide variant.
Coding change: c.333G>A on transcript NM_030912.3 (MANE Select); coding-DNA position 333, G replaced by A.
Protein change: p.Glu111=; no amino-acid change (glutamic acid 111 retained).
Molecular consequence: synonymous variant. On other transcripts: non-coding transcript variant (1).
Genome position (GRCh38, 1-based): chr10:102,644,950, G>A. VCF-style: chr10-102644950-G-A. GRCh37 (hg19) VCF-style: chr10-104404707-G-A.
Other names: c.333G>A, p.Glu111= (NM_001345950.1); c.333G>A (NM_030912.2).
Identifiers: ClinVar variation 2067843 (VCV002067843.6), dbSNP rs749088678, ClinGen allele CA5668068.